The following is an entry in ClinVar:

ClinVar aggregate classification (germline): Uncertain significance. Review status: criteria provided, multiple submitters, no conflicts (2 of 4 stars). 2 submissions from 2 submitters: Uncertain significance (2). Last evaluated 2026-02-07.

Allele frequency attached by ClinVar (database versions not stated): gnomAD exomes 0.00001; gnomAD 0.00005; TOPMed 0.00005; ExAC 0.00009.
gnomAD v4.1: 27 of 1,610,788 alleles (0.0017%); highest among the groups gnomAD compares: East Asian, 0.06%; no homozygotes.

Submissions (2):

GeneDx
Classification: Uncertain significance. Last evaluated: 2026-02-07. Review status: criteria provided, single submitter. Criteria: GeneDx Variant Classification Process June 2021. Collection method: clinical testing. Allele origin: germline.
Comment: Reported in a patient with hearing loss in published literature (PMID: 33924653); In silico analysis supports that this missense variant has a deleterious effect on protein structure/function; This variant is associated with the following publications: (PMID: 35665752, 33924653)

Labcorp Genetics (formerly Invitae), Labcorp
Classification: Uncertain significance. Last evaluated: 2021-09-01. Review status: criteria provided, single submitter. Criteria: Invitae Variant Classification Sherloc (09022015). Collection method: clinical testing. Allele origin: germline.
Comment: This sequence change replaces proline with serine at codon 1256 of the PCDH15 protein (p.Pro1256Ser). The proline residue is highly conserved and there is a moderate physicochemical difference between proline and serine. This variant is present in population databases (rs775954124, ExAC 0.1%). This variant has not been reported in the literature in individuals affected with PCDH15-related conditions. Algorithms developed to predict the effect of missense changes on protein structure and function are either unavailable or do not agree on the potential impact of this missense change (SIFT: "Tolerated"; PolyPhen-2: "Probably Damaging"; Align-GVGD: "Class C0"). In summary, the available evidence is currently insufficient to determine the role of this variant in disease. Therefore, it has been classified as a Variant of Uncertain Significance.

NM_001384140.1(PCDH15):c.3766C>T (p.Pro1256Ser)

Gene: PCDH15 (protocadherin related 15; minus strand). Cytogenetic location: 10q21.1.
Variant type: single nucleotide variant.
Coding change: c.3766C>T on transcript NM_001384140.1 (MANE Select); coding-DNA position 3766, C replaced by T.
Protein change: p.Pro1256Ser; replaces proline 1256 with serine.
Molecular consequence: missense variant.
Genome position (GRCh38, 1-based): chr10:53,857,215, G>A on the plus strand (C>T on the coding strand, the complement: PCDH15 is on the minus strand). VCF-style: chr10-53857215-G-A. GRCh37 (hg19) VCF-style: chr10-55616975-G-A.
Other names: c.3781C>T, p.Pro1261Ser (NM_001142763.2, NM_001142771.2); c.3766C>T, p.Pro1256Ser (NM_001142764.2, NM_001142766.2, NM_001142770.3 and 4 more transcripts); c.3553C>T, p.Pro1185Ser (NM_001142765.2); c.3655C>T, p.Pro1219Ser (NM_001142767.2); c.3700C>T, p.Pro1234Ser (NM_001142768.2, NM_001142773.2, NM_001354404.2); c.3802C>T, p.Pro1268Ser (NM_001142769.4); c.3787C>T, p.Pro1263Ser (NM_001354411.2); short protein forms P1234S, P1219S, P1256S, P1261S, P1263S, P1268S, P1185S.
Identifiers: ClinVar variation 2147742 (VCV002147742.2), dbSNP rs775954124, ClinGen allele CA5505557.